The following is an entry in ClinVar:

NM_014141.6(CNTNAP2):c.37C>T (p.Leu13Phe)

Gene: CNTNAP2 (contactin associated protein 2; plus strand). Cytogenetic location: 7q35.
Variant type: single nucleotide variant.
Coding change: c.37C>T on transcript NM_014141.6 (MANE Select); coding-DNA position 37, C replaced by T.
Protein change: p.Leu13Phe; replaces leucine 13 with phenylalanine.
Molecular consequence: missense variant.
Genome position (GRCh38, 1-based): chr7:146,116,913, C>T. VCF-style: chr7-146116913-C-T. GRCh37 (hg19) VCF-style: chr7-145814005-C-T.
Other names: p.L13F:CTC>TTC; short protein forms L13F.
Identifiers: ClinVar variation 205242 (VCV000205242.8), dbSNP rs796052375, ClinGen allele CA314118.

ClinVar aggregate classification (germline): Uncertain significance. Review status: criteria provided, multiple submitters, no conflicts (2 of 4 stars). 4 submissions from 4 submitters: Uncertain significance (4). Last evaluated 2022-08-17.

Conditions:
Inborn genetic diseases. Identifiers: MedGen C0950123, MeSH D030342.
Cortical dysplasia-focal epilepsy syndrome (PTHSL1). Also called: Pitt-Hopkins-like syndrome 1. Identifiers: Orphanet 163681, Orphanet 221150, MedGen C2750246, MONDO:0012400, OMIM 610042.

Allele frequency attached by ClinVar (database versions not stated): gnomAD exomes 0.00001; TOPMed 0.00001.
gnomAD v4.1: 9 of 1,550,930 alleles (0.00058%); highest among the groups gnomAD compares: East Asian, 0.0024%; no homozygotes.

Submissions (4):

Ambry Genetics
Classification: Uncertain significance for Inborn genetic diseases. Last evaluated: 2022-08-17. Review status: criteria provided, single submitter. Criteria: Ambry Variant Classification Scheme 2023. Collection method: clinical testing. Allele origin: germline.

Labcorp Genetics (formerly Invitae), Labcorp
Classification: Uncertain significance for Cortical dysplasia-focal epilepsy syndrome. Last evaluated: 2018-03-05. Review status: criteria provided, single submitter. Criteria: Invitae Variant Classification Sherloc (09022015). Collection method: clinical testing. Allele origin: germline.
Comment: This sequence change replaces leucine with phenylalanine at codon 13 of the CNTNAP2 protein (p.Leu13Phe). The leucine residue is weakly conserved and there is a small physicochemical difference between leucine and phenylalanine. While this variant is not present in population databases, the frequency information is unreliable, as metrics indicate poor data quality at this position in the ExAC database. This variant has not been reported in the literature in individuals with CNTNAP2-related disease. ClinVar contains an entry for this variant (Variation ID: 205242). Algorithms developed to predict the effect of missense changes on protein structure and function do not agree on the potential impact of this missense change (SIFT: "Deleterious"; PolyPhen-2: "Benign"; Align-GVGD: "Class C0"). In summary, the available evidence is currently insufficient to determine the role of this variant in disease. Therefore, it has been classified as a Variant of Uncertain Significance.

Illumina Laboratory Services, Illumina
Classification: Uncertain significance for Cortical dysplasia-focal epilepsy syndrome. Last evaluated: 2018-01-13. Review status: criteria provided, single submitter. Criteria: ICSL Variant Classification Criteria 13 December 2019. Collection method: clinical testing. Allele origin: germline.

GeneDx
Classification: Uncertain significance. Last evaluated: 2013-10-18. Review status: criteria provided, single submitter. Criteria: GeneDx Variant Classification (06012015). Collection method: clinical testing. Allele origin: germline. Affected: yes.
Comment: p.Leu13Phe (CTC>TTC): c.37 C>T in exon 1 of the CNTNAP2 gene (NM_014141.5). The L13F variant has not been published as a mutation, nor has it been reported as a benign polymorphism to our knowledge. It was not observed in approximately 6,000 individuals of European and African American ancestry in the NHLBI Exome Sequencing Project, indicating it is not a common benign variant in these populations. However, the L13F variant is a conservative amino acid substitution, which is not likely to impact secondary protein structure as these residues share similar properties. Additionally, this substitution occurs at a position that is not conserved across species, and Phenylalanine has been seen at this position in evolution. In silico analysis predicts this variant likely does not alter the protein structure/function. Based on the currently available information, L13F is likely a benign variant but the possibility that it is a pathogenic mutation cannot be completely excluded. The variant is found in INFANT-EPI,EPILEPSY panel(s).